The following is an entry in ClinVar:

NM_014946.4(SPAST):c.1840dup (p.Thr614fs)

Gene: SPAST (spastin; plus strand). Cytogenetic location: 2p22.3.
Variant type: Duplication.
Coding change: c.1840dup on transcript NM_014946.4 (MANE Select); coding-DNA position 1840, one base duplicated (A; older notation c.1840dupA).
Protein change: p.Thr614fs; shifts the reading frame from threonine 614.
Molecular consequence: frameshift variant. On other transcripts: 3 prime UTR variant (1).
Genome position (GRCh38, 1-based): chr2:32,154,485, A duplicated. VCF-style (leftmost placement, unchanged base first): chr2-32154484-T-TA. GRCh37 (hg19) VCF-style: chr2-32379553-T-TA.
Other names: c.1744dup, p.Thr582fs (NM_199436.2); c.1837dup, p.Thr613fs (NM_001363823.2); c.1741dup, p.Thr581fs (NM_001363875.2); c.*113dup (NM_001377959.1); short protein forms T614fs, T613fs, T582fs, T581fs.
Identifiers: ClinVar variation 2734159 (VCV002734159.3), dbSNP rs2465946747, ClinGen allele CA2586964697.

ClinVar aggregate classification (germline): Pathogenic/Likely pathogenic. Review status: criteria provided, multiple submitters, no conflicts (2 of 4 stars). 2 submissions from 2 submitters: Pathogenic (1); Likely pathogenic (1). Last evaluated 2025-11-07.

Conditions:
Hereditary spastic paraplegia 4. Also called: Familial spastic paraplegia autosomal dominant 2; Spastic paraplegia 4, autosomal dominant; Spastic Paraplegia 4. Identifiers: Orphanet 100985, MedGen C1866855, MONDO:0008438, OMIM 182601.

Submissions (2):

MVZ Martinsried, Medicover Genetics
Classification: Likely pathogenic for Hereditary spastic paraplegia 4. Last evaluated: 2025-11-07. Review status: criteria provided, single submitter. Criteria: ClinGen Variant Curation SOP V3.2 + Classification Guidance July2025. Collection method: clinical testing. Allele origin: unknown. Observed: 1 heterozygote.

Labcorp Genetics (formerly Invitae), Labcorp
Classification: Pathogenic for Hereditary spastic paraplegia 4. Last evaluated: 2023-09-21. Review status: criteria provided, single submitter. Criteria: Invitae Variant Classification Sherloc (09022015). Collection method: clinical testing. Allele origin: germline.
Comment: This variant is not present in population databases (gnomAD no frequency). This sequence change results in a frameshift in the SPAST gene (p.Thr614Asnfs*17). While this is not anticipated to result in nonsense mediated decay, it is expected to disrupt the last 3 amino acid(s) of the SPAST protein and extend the protein by 13 additional amino acid residues. This frameshift has been observed in individuals with hereditary spastic paraplegia (PMID: 27084228, 27334366). For these reasons, this variant has been classified as Pathogenic. This variant disrupts a region of the SPAST protein in which other variant(s) (p.Thr615Ile) have been determined to be pathogenic (PMID: 12124993; Invitae). This suggests that this is a clinically significant region of the protein, and that variants that disrupt it are likely to be disease-causing.

Literature cited by the submitters: PubMed 27084228 (cited by Labcorp Genetics (formerly Invitae), Labcorp); PubMed 27334366 (cited by Labcorp Genetics (formerly Invitae), Labcorp); PubMed 12124993 (cited by Labcorp Genetics (formerly Invitae), Labcorp).